The following is an entry in ClinVar:

NM_032793.5(MFSD2A):c.477+15C>G

Gene: MFSD2A (MFSD2 lysolipid transporter A, lysophospholipid; plus strand). Cytogenetic location: 1p34.2.
Variant type: single nucleotide variant.
Coding change: c.477+15C>G on transcript NM_032793.5 (MANE Select); 15 bases into the intron after coding-DNA position 477, C replaced by G.
Molecular consequence: intron variant.
Genome position (GRCh38, 1-based): chr1:39,965,349, C>G. VCF-style: chr1-39965349-C-G. GRCh37 (hg19) VCF-style: chr1-40431021-C-G.
Other names: c.516+15C>G (NM_001136493.3); c.477+15C>G (NM_001349822.2); c.132+15C>G (NM_001349823.2); c.366+15C>G (NM_001287809.2); c.9+15C>G (NM_001287808.2); c.471+15C>G (NM_001349821.2).
Identifiers: ClinVar variation 1924855 (VCV001924855.5), dbSNP rs2522953031, ClinGen allele CA2580062720.
Genomic context (GRCh38, chr1:39,965,349, plus strand): 5'-CTATTGGTACCTGCTTTTCTATTGCCTCTTTGAAACAATGGTCACGGTGAGTGTGGGTAC[C>G]TCCCTTGGGTGTCTCTAGGGGCCGGGAGGAGGGCGGTCCTTGGGGCCCCCAGGGTTGGTA-3'

ClinVar aggregate classification (germline): Uncertain significance (1 of 4 stars; one submission).

Submission:

Labcorp Genetics (formerly Invitae), Labcorp
Classification: Uncertain significance. Last evaluated: 2022-08-11. Review status: criteria provided, single submitter. Criteria: Invitae Variant Classification Sherloc (09022015). Collection method: clinical testing. Allele origin: germline.
Comment: In summary, the available evidence is currently insufficient to determine the role of this variant in disease. Therefore, it has been classified as a Variant of Uncertain Significance. Algorithms developed to predict the effect of sequence changes on RNA splicing suggest that this variant may create or strengthen a splice site. This variant has not been reported in the literature in individuals affected with MFSD2A-related conditions. This variant is not present in population databases (gnomAD no frequency). This sequence change falls in intron 4 of the MFSD2A gene. It does not directly change the encoded amino acid sequence of the MFSD2A protein.